The following is an entry in ClinVar:

NM_001904.4(CTNNB1):c.2076G>T (p.Glu692Asp)

Gene: CTNNB1 (catenin beta 1; plus strand). Cytogenetic location: 3p22.1.
Variant type: single nucleotide variant.
Coding change: c.2076G>T on transcript NM_001904.4 (MANE Select); coding-DNA position 2076, G replaced by T.
Protein change: p.Glu692Asp; replaces glutamic acid 692 with aspartic acid.
Molecular consequence: missense variant.
Genome position (GRCh38, 1-based): chr3:41,236,709, G>T. VCF-style: chr3-41236709-G-T. GRCh37 (hg19) VCF-style: chr3-41278200-G-T.
Other names: c.2076G>T, p.Glu692Asp (NM_001098209.2, NM_001098210.2); c.2055G>T, p.Glu685Asp (NM_001330729.2); short protein forms E685D, E692D.
Identifiers: ClinVar variation 2632320 (VCV002632320.2), dbSNP rs1559477241, ClinGen allele CA352236813.
Genomic context (GRCh38, chr3:41,236,709, plus strand): 5'-ACGGCTTTCAGTTGAGCTGACCAGCTCTCTCTTCAGAACAGAGCCAATGGCTTGGAATGA[G>T]GTAGGGAAATGTGAGCAGTTATTTATCTGGTAGTTTCCTAGAGCAGGTATGGCAGCTTGT-3'
Protein context (NP_001895.1, residues 682-702): LFRTEPMAWN[Glu692Asp]TADLGLDIGA

ClinVar aggregate classification (germline): Likely pathogenic (1 of 4 stars; one submission).

Conditions:
CTNNB1-related disorder. Also called: CTNNB1-related condition.

Submission:

PreventionGenetics, part of Exact Sciences
Classification: Likely pathogenic for CTNNB1-related condition. Last evaluated: 2025-04-23. Review status: criteria provided, single submitter. Criteria: ACMG Guidelines, 2015. Collection method: clinical testing. Allele origin: germline.
Comment: The CTNNB1 c.2076G>T variant is predicted to result in the amino acid substitution p.Glu692Asp. This variant occurs at the last nucleotide position of exon 13 and is predicted to alter splicing based on available splicing prediction programs (SpliceAI, Jaganathan et al. 2019. PubMed ID: 30661751). However, the use of computer prediction programs is not equivalent to functional evidence. To our knowledge, this variant has not been reported in the literature or in a large population database (gnomAD), indicating this variant is rare. An alternate nucleotide change resulting in the same amino acid substitution, c.2076G>C (Glu692Asp), has been reported de novo in an individual with intellectual disability (Table S2, Klee et al. 2021. PubMed ID: 33144682). The c.2076G>T (p.Glu692Asp) variant is interpreted as likely pathogenic.